The following is an entry in ClinVar:

NM_000090.4(COL3A1):c.511G>A (p.Gly171Ser)

Gene: COL3A1 (collagen type III alpha 1 chain; plus strand). Cytogenetic location: 2q32.2.
Variant type: single nucleotide variant.
Coding change: c.511G>A on transcript NM_000090.4 (MANE Select); coding-DNA position 511, G replaced by A.
Protein change: p.Gly171Ser; replaces glycine 171 with serine.
Molecular consequence: missense variant.
Genome position (GRCh38, 1-based): chr2:188,987,122, G>A. VCF-style: chr2-188987122-G-A. GRCh37 (hg19) VCF-style: chr2-189851848-G-A.
Other names: short protein forms G171S.
Identifiers: ClinVar variation 1329349 (VCV001329349.8), dbSNP rs2153501643, ClinGen allele CA349848163.
Genomic context (GRCh38, chr2:188,987,122, plus strand): 5'-TATTCTCCCCAGTATGATTCATATGATGTCAAGTCTGGAGTAGCAGTAGGAGGACTCGCA[G>A]GCTATCCTGGACCAGCTGTACGTACAAATGTTTCTCAGCATTTTGGAGCTTTATTATCTT-3'
Protein context (NP_000081.2, residues 161-181): KSGVAVGGLA[Gly171Ser]YPGPAGPPGP

ClinVar aggregate classification (germline): Conflicting classifications of pathogenicity. Review status: criteria provided, conflicting classifications (1 of 4 stars). 4 submissions from 4 submitters: Likely pathogenic (3); Uncertain significance (1). Last evaluated 2023-06-28.

Conditions:
Familial thoracic aortic aneurysm and aortic dissection (TAAD). Also called: Thoracic aortic aneurysms and dissections. Identifiers: Orphanet 91387, MedGen C4707243, MONDO:0019625.
Ehlers-Danlos syndrome, type 4 (EDSVASC). Also called: Ehlers-Danlos syndrome vascular type; Ehlers Danlos syndrome, ecchymotic type; Ehlers Danlos syndrome, arterial type; Ehlers Danlos syndrome, Sack-Barabas type; Ehlers-Danlos Syndrome Type IV. Identifiers: Orphanet 286, MedGen C0268338, MONDO:0017314, OMIM 130050.

Submissions (4):

Labcorp Genetics (formerly Invitae), Labcorp
Classification: Likely pathogenic for Ehlers-Danlos syndrome, type 4. Last evaluated: 2023-06-28. Review status: criteria provided, single submitter. Criteria: Invitae Variant Classification Sherloc (09022015). Collection method: clinical testing. Allele origin: germline.
Comment: In summary, the currently available evidence indicates that the variant is pathogenic, but additional data are needed to prove that conclusively. Therefore, this variant has been classified as Likely Pathogenic. This variant disrupts the triple helix domain of COL3A1. Glycine residues within the Gly-Xaa-Yaa repeats of the triple helix domain are required for the structure and stability of fibrillar collagens (PMID: 7695699, 8218237, 19344236). In COL3A1, variants that affect these glycine residues are significantly enriched in individuals with disease (PMID: 24922459, 25758994) compared to the general population (ExAC). ClinVar contains an entry for this variant (Variation ID: 1329349). Advanced modeling of protein sequence and biophysical properties (such as structural, functional, and spatial information, amino acid conservation, physicochemical variation, residue mobility, and thermodynamic stability) performed at Invitae indicates that this missense variant is expected to disrupt COL3A1 protein function. This variant has not been reported in the literature in individuals affected with COL3A1-related conditions. This sequence change replaces glycine, which is neutral and non-polar, with serine, which is neutral and polar, at codon 171 of the COL3A1 protein (p.Gly171Ser). This variant is not present in population databases (gnomAD no frequency).

CHEO Genetics Diagnostic Laboratory, Children's Hospital of Eastern Ontario
Classification: Likely pathogenic for Familial thoracic aortic aneurysm and aortic dissection. Last evaluated: 2023-05-31. Review status: criteria provided, single submitter. Criteria: ACMG Guidelines, 2015. Collection method: clinical testing. Allele origin: germline.

GeneDx
Classification: Likely pathogenic. Last evaluated: 2023-02-14. Review status: criteria provided, single submitter. Criteria: GeneDx Variant Classification Process June 2021. Collection method: clinical testing. Allele origin: germline. Affected: yes.
Comment: Occurs in the triple helical domain and replaces the glycine in the canonical Gly-X-Y repeat; missense substitution of a canonical glycine residue is expected to disrupt normal protein folding and function, and this is an established mechanism of disease (HGMD); Not observed at significant frequency in large population cohorts (gnomAD); In silico analysis supports that this missense variant does not alter protein structure/function; Has not been previously published as pathogenic or benign to our knowledge

Blueprint Genetics
Classification: Uncertain significance. Last evaluated: 2021-11-18. Review status: criteria provided, single submitter. Criteria: ACMG Guidelines, 2015. Collection method: clinical testing. Allele origin: germline.

Literature cited by the submitters: PubMed 7695699 (cited by Labcorp Genetics (formerly Invitae), Labcorp); PubMed 8218237 (cited by Labcorp Genetics (formerly Invitae), Labcorp); PubMed 19344236 (cited by Labcorp Genetics (formerly Invitae), Labcorp); PubMed 24922459 (cited by Labcorp Genetics (formerly Invitae), Labcorp); PubMed 25758994 (cited by Labcorp Genetics (formerly Invitae), Labcorp).